The following is an entry in ClinVar:

ClinVar aggregate classification (germline): Conflicting classifications of pathogenicity. Review status: criteria provided, conflicting classifications (1 of 4 stars). 4 submissions from 4 submitters: Uncertain significance (2); Likely benign (1). 1 of the submissions does not count toward it. Last evaluated 2024-04-12.

Conditions:
Hereditary cancer-predisposing syndrome. Also called: Neoplastic Syndromes, Hereditary; Tumor predisposition; Hereditary neoplastic syndrome; Hereditary Cancer Syndrome. Identifiers: Orphanet 140162, MedGen C0027672, MeSH D009386, MONDO:0015356.
Bloom syndrome (BLM). Also called: Bloom-Torre-Machacek syndrome. Identifiers: Orphanet 125, MedGen C0005859, MONDO:0008876, OMIM 210900.

gnomAD v4.1: 1 of 1,613,938 alleles (0.000062%); no homozygotes.

Submissions (4):

Fulgent Genetics
Classification: Uncertain significance for Bloom syndrome. Last evaluated: 2024-04-12. Review status: criteria provided, single submitter. Criteria: ACMG Guidelines, 2015. Collection method: clinical testing. Allele origin: germline.

Labcorp Genetics (formerly Invitae), Labcorp
Classification: Uncertain significance for Bloom syndrome. Last evaluated: 2024-03-13. Review status: criteria provided, single submitter. Criteria: Invitae Variant Classification Sherloc (09022015). Collection method: clinical testing. Allele origin: germline.
Comment: This sequence change replaces lysine, which is basic and polar, with glutamic acid, which is acidic and polar, at codon 331 of the BLM protein (p.Lys331Glu). This variant is not present in population databases (gnomAD no frequency). This variant has not been reported in the literature in individuals affected with BLM-related conditions. ClinVar contains an entry for this variant (Variation ID: 823551). Algorithms developed to predict the effect of missense changes on protein structure and function output the following: SIFT: "Not Available"; PolyPhen-2: "Benign"; Align-GVGD: "Not Available". The glutamic acid amino acid residue is found in multiple mammalian species, which suggests that this missense change does not adversely affect protein function. In summary, the available evidence is currently insufficient to determine the role of this variant in disease. Therefore, it has been classified as a Variant of Uncertain Significance.

Ambry Genetics
Classification: Likely benign for Hereditary cancer-predisposing syndrome. Last evaluated: 2019-06-27. Review status: criteria provided, single submitter. Criteria: Ambry Variant Classification Scheme 2023. Collection method: clinical testing. Allele origin: germline.

Natera, Inc.
Classification: Uncertain significance for Bloom syndrome. Last evaluated: 2025-04-14. Review status: no assertion criteria provided. Collection method: clinical testing. Allele origin: germline. Not counted in ClinVar's aggregate classification.

NM_000057.4(BLM):c.991A>G (p.Lys331Glu)

Gene: BLM (BLM RecQ like helicase; plus strand). Cytogenetic location: 15q26.1.
Variant type: single nucleotide variant.
Coding change: c.991A>G on transcript NM_000057.4 (MANE Select); coding-DNA position 991, A replaced by G.
Protein change: p.Lys331Glu; replaces lysine 331 with glutamic acid.
Molecular consequence: missense variant. On other transcripts: 5 prime UTR variant (1).
Genome position (GRCh38, 1-based): chr15:90,754,842, A>G. VCF-style: chr15-90754842-A-G. GRCh37 (hg19) VCF-style: chr15-91298072-A-G.
Other names: c.991A>G, p.Lys331Glu (NM_001287246.2, NM_001287247.2); c.-301A>G (NM_001287248.2); c.991A>G (NM_000057.3); short protein forms K331E.
Identifiers: ClinVar variation 823551 (VCV000823551.10), dbSNP rs1596223773, ClinGen allele CA393842044.
Genomic context (GRCh38, chr15:90,754,842, plus strand): 5'-GATTGGCTTAACATTTTTTTTATTTGCAGTACGTTAAAGGACCTTGACACCTCTGACAGA[A>G]AAGAGGATGTTCTTAGCACATCAAAAGATCTTTTGTCAAAACCTGAGAAAATGAGTATGC-3'
Protein context (NP_000048.1, residues 321-341): TLKDLDTSDR[Lys331Glu]EDVLSTSKDL